The following is an entry in ClinVar:

NM_002470.4(MYH3):c.5655G>C (p.Glu1885Asp)

Gene: MYH3 (myosin heavy chain 3; minus strand). Cytogenetic location: 17p13.1.
Variant type: single nucleotide variant.
Coding change: c.5655G>C on transcript NM_002470.4 (MANE Select); coding-DNA position 5655, G replaced by C.
Protein change: p.Glu1885Asp; replaces glutamic acid 1885 with aspartic acid.
Molecular consequence: missense variant.
Genome position (GRCh38, 1-based): chr17:10,629,845, C>G on the plus strand (G>C on the coding strand, the complement: MYH3 is on the minus strand). VCF-style: chr17-10629845-C-G. GRCh37 (hg19) VCF-style: chr17-10533162-C-G.
Other names: short protein forms E1885D.
Identifiers: ClinVar variation 3906315 (VCV003906315.1).

ClinVar aggregate classification (germline): Uncertain significance (1 of 4 stars; one submission).

Submission:

GeneDx
Classification: Uncertain significance. Last evaluated: 2024-12-23. Review status: criteria provided, single submitter. Criteria: GeneDx Variant Classification Process June 2021. Collection method: clinical testing. Allele origin: germline. Affected: yes.
Comment: Not observed at significant frequency in large population cohorts (gnomAD); In silico analysis indicates that this missense variant does not alter protein structure/function; Has not been previously published as pathogenic or benign to our knowledge